The following is an entry in ClinVar:

ClinVar aggregate classification (germline): Uncertain significance (1 of 4 stars; one submission).

Allele frequency attached by ClinVar (database versions not stated): ExAC 0.00001; TOPMed 0.00001; gnomAD 0.00003.
gnomAD v4.1: 14 of 1,614,080 alleles (0.00087%); highest among the groups gnomAD compares: Non-Finnish European, 0.00093%; no homozygotes.

Submission:

Labcorp Genetics (formerly Invitae), Labcorp
Classification: Uncertain significance. Last evaluated: 2022-03-04. Review status: criteria provided, single submitter. Criteria: Invitae Variant Classification Sherloc (09022015). Collection method: clinical testing. Allele origin: germline.
Comment: This sequence change replaces asparagine, which is neutral and polar, with serine, which is neutral and polar, at codon 1019 of the MYH3 protein (p.Asn1019Ser). This variant is present in population databases (rs113678512, gnomAD 0.002%). This variant has not been reported in the literature in individuals affected with MYH3-related conditions. Algorithms developed to predict the effect of missense changes on protein structure and function output the following: SIFT: "Deleterious"; PolyPhen-2: "Probably Damaging"; Align-GVGD: "Class C45". The serine amino acid residue is found in multiple mammalian species, which suggests that this missense change does not adversely affect protein function. In summary, the available evidence is currently insufficient to determine the role of this variant in disease. Therefore, it has been classified as a Variant of Uncertain Significance.

NM_002470.4(MYH3):c.3056A>G (p.Asn1019Ser)

Gene: MYH3 (myosin heavy chain 3; minus strand). Cytogenetic location: 17p13.1.
Variant type: single nucleotide variant.
Coding change: c.3056A>G on transcript NM_002470.4 (MANE Select); coding-DNA position 3056, A replaced by G.
Protein change: p.Asn1019Ser; replaces asparagine 1019 with serine.
Molecular consequence: missense variant.
Genome position (GRCh38, 1-based): chr17:10,639,344, T>C on the plus strand (A>G on the coding strand, the complement: MYH3 is on the minus strand). VCF-style: chr17-10639344-T-C. GRCh37 (hg19) VCF-style: chr17-10542661-T-C.
Other names: short protein forms N1019S.
Identifiers: ClinVar variation 2184231 (VCV002184231.4), dbSNP rs113678512, ClinGen allele CA8392630.